The following is an entry in ClinVar:

NM_006885.4(ZFHX3):c.10215C>G (p.Pro3405=)

Genes: ZFHX3 (zinc finger homeobox 3; minus strand), ZFHX3-AS1 (ZFHX3 antisense RNA 1; plus strand). Cytogenetic location: 16q22.2.
Variant type: single nucleotide variant.
Coding change: c.10215C>G on transcript NM_006885.4 (MANE Select); coding-DNA position 10215, C replaced by G.
Protein change: p.Pro3405=; no amino-acid change (proline 3405 retained).
Molecular consequence: synonymous variant.
Genome position (GRCh38, 1-based): chr16:72,788,061, G>C on the plus strand (C>G on the coding strand, the complement: ZFHX3 is on the minus strand). VCF-style: chr16-72788061-G-C. GRCh37 (hg19) VCF-style: chr16-72821960-G-C.
Other names: c.7473C>G, p.Pro2491= (NM_001164766.2).
Identifiers: ClinVar variation 779970 (VCV000779970.6), dbSNP rs190630380, ClinGen allele CA8162581.

ClinVar aggregate classification (germline): Benign. Review status: criteria provided, multiple submitters, no conflicts (2 of 4 stars). 3 submissions from 3 submitters: Benign (2). 1 of the submissions does not count toward it. Last evaluated 2017-10-17.

Conditions:
ZFHX3-related disorder. Also called: ZFHX3-related condition.

Allele frequency attached by ClinVar (database versions not stated): gnomAD 0.00137; 1000 Genomes Project 30x 0.00593; 1000 Genomes Project 0.00679.
gnomAD v4.1: 1,503 of 1,611,096 alleles (0.093%); highest among the groups gnomAD compares: East Asian, 2.2%; 16 homozygotes.

Submissions (3):

Labcorp Genetics (formerly Invitae), Labcorp
Classification: Benign. Last evaluated: 2017-10-17. Review status: criteria provided, single submitter. Criteria: Invitae Variant Classification Sherloc (09022015). Collection method: clinical testing. Allele origin: germline.

Breakthrough Genomics
Classification: Benign. Review status: criteria provided, single submitter. Criteria: ACMG Guidelines, 2015. Collection method: not provided. Allele origin: germline. Inheritance: Autosomal dominant inheritance. Affected: yes.

PreventionGenetics, part of Exact Sciences
Classification: Benign for ZFHX3-related condition. Last evaluated: 2019-06-24. Review status: no assertion criteria provided. Collection method: clinical testing. Allele origin: germline. Not counted in ClinVar's aggregate classification.
Comment: This variant is classified as benign based on ACMG/AMP sequence variant interpretation guidelines (Richards et al. 2015 PMID: 25741868, with internal and published modifications).